The following is an entry in ClinVar:

NM_001122955.4(BSCL2):c.1006-1G>A

Genes: BSCL2 (BSCL2 lipid droplet biogenesis associated, seipin; minus strand), HNRNPUL2-BSCL2 (HNRNPUL2-BSCL2 readthrough (NMD candidate); minus strand). Cytogenetic location: 11q12.3.
Variant type: single nucleotide variant.
Coding change: c.1006-1G>A on transcript NM_001122955.4 (MANE Select); the canonical splice acceptor site of the intron before coding-DNA position 1006, G replaced by A.
Molecular consequence: splice acceptor variant.
Genome position (GRCh38, 1-based): chr11:62,691,142, C>T on the plus strand (G>A on the coding strand, the complement: BSCL2 is on the minus strand). VCF-style: chr11-62691142-C-T. GRCh37 (hg19) VCF-style: chr11-62458614-C-T.
Other names: c.672-1G>A (NM_001130702.2); c.814-1G>A (NM_032667.6); c.1006-1G>A (NM_001386028.1, NM_001386027.1).
Identifiers: ClinVar variation 1067828 (VCV001067828.7), dbSNP rs777430457, ClinGen allele CA6053363.

ClinVar aggregate classification (germline): Likely pathogenic (1 of 4 stars; one submission).

Conditions:
Charcot-Marie-Tooth disease type 2. Also called: Charcot-Marie-Tooth type 2. Identifiers: Orphanet 64746, MedGen C0270914, MONDO:0018993.

Allele frequency attached by ClinVar (database versions not stated): gnomAD exomes below 0.00001; ExAC 0.00001.
gnomAD v4.1: 2 of 1,614,230 alleles (0.00012%); highest among the groups gnomAD compares: South Asian, 0.0022%; no homozygotes.

Submission:

Labcorp Genetics (formerly Invitae), Labcorp
Classification: Likely pathogenic for Charcot-Marie-Tooth disease type 2. Last evaluated: 2020-09-02. Review status: criteria provided, single submitter. Criteria: Invitae Variant Classification Sherloc (09022015). Collection method: clinical testing. Allele origin: germline.
Comment: This variant has not been reported in the literature in individuals with BSCL2-related conditions. This variant is present in population databases (rs777430457, ExAC 0.006%). This sequence change affects an acceptor splice site in intron 7 of the BSCL2 gene. It is expected to disrupt RNA splicing and likely results in an absent or disrupted protein product. Algorithms developed to predict the effect of sequence changes on RNA splicing suggest that this variant may disrupt the consensus splice site, but this prediction has not been confirmed by published transcriptional studies. In summary, the currently available evidence indicates that the variant is pathogenic, but additional data are needed to prove that conclusively. Therefore, this variant has been classified as Likely Pathogenic. Donor and acceptor splice site variants typically lead to a loss of protein function (PMID: 16199547), and loss-of-function variants in BSCL2 are known to be pathogenic (PMID: 11479539, 23564749).

Literature cited by the submitters: PubMed 16199547; PubMed 11479539; PubMed 23564749.